The following is an entry in ClinVar:

ClinVar aggregate classification (germline): Pathogenic. Review status: criteria provided, single submitter (1 of 4 stars). 2 submissions from 2 submitters: Pathogenic (1). 1 of the submissions does not count toward it. Last evaluated 2022-01-03.

Conditions:
Microcephaly 5, primary, autosomal recessive (MCPH5). Also called: ASPM Primary Microcephaly. Identifiers: Orphanet 2512, MedGen C1837501, MONDO:0012106, OMIM 608716.

Submissions (2):

3billion
Classification: Pathogenic for Microcephaly 5, primary, autosomal recessive. Last evaluated: 2022-01-03. Review status: criteria provided, single submitter. Criteria: ACMG Guidelines, 2015. Collection method: clinical testing. Allele origin: germline. Affected: yes. Observed: 1 homozygote.
Comment: Stop-gained (nonsense): predicted to result in a loss or disruption of normal protein function through nonsense-mediated decay (NMD) or protein truncation. Multiple pathogenic variants are reported downstream of the variant (PVS1_VS).The variant has been reported to be associated with ASPM related disorder (PMID:14574646).It is not observed in the gnomAD v2.1.1 dataset (PM2_M). Therefore, this variant is classified as pathogenic according to the recommendation of ACMG/AMP guideline.

GeneReviews
No classification provided. Condition: Microcephaly 5, primary, autosomal recessive. Review status: no classification provided. Collection method: literature only. Allele origin: unknown. Not counted in ClinVar's aggregate classification.

Literature cited by the submitters: PubMed 14574646 (cited by 3billion); PubMed 20301772 (cited by GeneReviews); NCBI Bookshelf NBK9587 (cited by GeneReviews).

NM_018136.5(ASPM):c.3527C>G (p.Ser1176Ter)

Gene: ASPM (assembly factor for spindle microtubules; minus strand). Cytogenetic location: 1q31.3.
Variant type: single nucleotide variant.
Coding change: c.3527C>G on transcript NM_018136.5 (MANE Select); coding-DNA position 3527, C replaced by G.
Protein change: p.Ser1176Ter; replaces serine 1176 with a stop codon.
Molecular consequence: nonsense.
Genome position (GRCh38, 1-based): chr1:197,122,459, G>C on the plus strand (C>G on the coding strand, the complement: ASPM is on the minus strand). VCF-style: chr1-197122459-G-C. GRCh37 (hg19) VCF-style: chr1-197091589-G-C.
Other names: c.3527C>G, p.Ser1176Ter (NM_001206846.2); short protein forms S1176*.
Identifiers: ClinVar variation 21577 (VCV000021577.4), dbSNP rs199422157, ClinGen allele CA342242.